The following is an entry in ClinVar:

NM_000362.5(TIMP3):c.*2103C>T

Genes: SYN3 (synapsin III; minus strand), TIMP3 (TIMP metallopeptidase inhibitor 3; plus strand). Cytogenetic location: 22q12.3.
Variant type: single nucleotide variant.
Coding change: c.*2103C>T on transcript NM_000362.5 (MANE Select); 2103 bases downstream of the stop codon, C replaced by T.
Molecular consequence: 3 prime UTR variant. On other transcripts: intron variant (7).
Genome position (GRCh38, 1-based): chr22:32,861,480, C>T. VCF-style: chr22-32861480-C-T. GRCh37 (hg19) VCF-style: chr22-33257467-C-T.
Other names: c.708+3435G>A (NM_001369909.1, NM_001135774.2, NM_001369910.1); c.711+3435G>A (NM_001369907.1, NM_003490.4, NM_001369908.1 and 1 more transcripts).
Identifiers: ClinVar variation 341381 (VCV000341381.6), dbSNP rs56214022, ClinGen allele CA10653418.

ClinVar aggregate classification (germline): Benign. Review status: criteria provided, multiple submitters, no conflicts (2 of 4 stars). 2 submissions from 2 submitters: Benign (2). Last evaluated 2018-01-13.

Conditions:
Sorsby fundus dystrophy (SFD). Also called: MACULAR DYSTROPHY, HEMORRHAGIC; Sorsby fundus dystrophy, Lavia type; FUNDUS DYSTROPHY, PSEUDOINFLAMMATORY, OF SORSBY. Identifiers: Orphanet 59181, MedGen C1850938, MONDO:0007640, OMIM 136900.

Allele frequency attached by ClinVar (database versions not stated): 1000 Genomes Project 30x 0.00422; TOPMed 0.00433; 1000 Genomes Project 0.00459; gnomAD 0.00488 and 0.00518; gnomAD exomes 0.01786.
gnomAD v4.1: 784 of 152,368 alleles (0.51%); highest among the groups gnomAD compares: Middle Eastern, 1.7%; 5 homozygotes.

Submissions (2):

Illumina Laboratory Services, Illumina
Classification: Benign for Sorsby fundus dystrophy. Last evaluated: 2018-01-13. Review status: criteria provided, single submitter. Criteria: ICSL Variant Classification Criteria 13 December 2019. Collection method: clinical testing. Allele origin: germline.
Comment: This variant was observed in the ICSL laboratory as part of a predisposition screen in an ostensibly healthy population. It had not been previously curated by ICSL or reported in the Human Gene Mutation Database (HGMD: prior to June 1st, 2018), and was therefore a candidate for classification through an automated scoring system. Utilizing variant allele frequency, disease prevalence and penetrance estimates, and inheritance mode, an automated score was calculated to assess if this variant is too frequent to cause the disease. Based on the score and internal cut-off values, a variant classified as benign is not then subjected to further curation. The score for this variant resulted in a classification of benign for this disease.

Breakthrough Genomics
Classification: Benign. Review status: criteria provided, single submitter. Criteria: ACMG Guidelines, 2015. Collection method: not provided. Allele origin: germline. Inheritance: Autosomal dominant inheritance. Affected: yes.